The following is an entry in ClinVar:

NM_014244.5(ADAMTS2):c.21del (p.Ala8fs)

Gene: ADAMTS2 (ADAM metallopeptidase with thrombospondin type 1 motif 2; minus strand). Cytogenetic location: 5q35.3.
Variant type: Deletion.
Coding change: c.21del on transcript NM_014244.5 (MANE Select); coding-DNA position 21, one base deleted (C; older notation c.21delC).
Protein change: p.Ala8fs; shifts the reading frame from alanine 8.
Molecular consequence: frameshift variant.
Genome position (GRCh38, 1-based): chr5:179,345,308, G deleted on the plus strand (C on the coding strand, the reverse complement: ADAMTS2 is on the minus strand); the first of 2 consecutive G bases (chr5:179,345,308-179,345,309); deleting either gives the same sequence. VCF-style (leftmost placement, unchanged base first): chr5-179345307-CG-C. GRCh37 (hg19) VCF-style: chr5-178772308-CG-C.
Other names: c.21del, p.Ala8fs (NM_021599.4); short protein forms A8fs.
Identifiers: ClinVar variation 1369667 (VCV001369667.6), dbSNP rs2127463933, ClinGen allele CA2573139439.

ClinVar aggregate classification (germline): Pathogenic (1 of 4 stars; one submission).

Conditions:
Ehlers-Danlos syndrome, dermatosparaxis type. Also called: EDS VIIC; Dermatosparaxis; Ehlers-Danlos syndrome, type VII, autosomal recessive. Identifiers: Orphanet 1901, MedGen C2700425, MONDO:0009161, OMIM 225410.

Submission:

Labcorp Genetics (formerly Invitae), Labcorp
Classification: Pathogenic for Ehlers-Danlos syndrome, dermatosparaxis type. Last evaluated: 2022-08-23. Review status: criteria provided, single submitter. Criteria: Invitae Variant Classification Sherloc (09022015). Collection method: clinical testing. Allele origin: germline.
Comment: For these reasons, this variant has been classified as Pathogenic. ClinVar contains an entry for this variant (Variation ID: 1369667). This variant has not been reported in the literature in individuals affected with ADAMTS2-related conditions. This variant is not present in population databases (gnomAD no frequency). This sequence change creates a premature translational stop signal (p.Ala8Leufs*157) in the ADAMTS2 gene. It is expected to result in an absent or disrupted protein product. Loss-of-function variants in ADAMTS2 are known to be pathogenic (PMID: 10417273).

Literature cited by the submitters: PubMed 10417273.